The following is an entry in ClinVar:

NM_020812.4(DOCK6):c.2628G>A (p.Ala876=)

Gene: DOCK6 (dedicator of cytokinesis 6; minus strand). Cytogenetic location: 19p13.2.
Variant type: single nucleotide variant.
Coding change: c.2628G>A on transcript NM_020812.4 (MANE Select); coding-DNA position 2628, G replaced by A.
Protein change: p.Ala876=; no amino-acid change (alanine 876 retained).
Molecular consequence: synonymous variant.
Genome position (GRCh38, 1-based): chr19:11,233,293, C>T on the plus strand (G>A on the coding strand, the complement: DOCK6 is on the minus strand). VCF-style: chr19-11233293-C-T. GRCh37 (hg19) VCF-style: chr19-11343969-C-T.
Other names: c.2628G>A, p.Ala876= (NM_001367830.1).
Identifiers: ClinVar variation 792918 (VCV000792918.7), dbSNP rs373276793, ClinGen allele CA9207553.

ClinVar aggregate classification (germline): Likely benign. Review status: criteria provided, single submitter (1 of 4 stars). 2 submissions from 2 submitters: Likely benign (1). 1 of the submissions does not count toward it. Last evaluated 2025-07-21.

Conditions:
DOCK6-related disorder. Also called: DOCK6-related condition.

Allele frequency attached by ClinVar (database versions not stated): gnomAD exomes 0.00007 and 0.00011; gnomAD 0.00008 and 0.00009; ExAC 0.00012; TOPMed 0.00013; ESP Exome Variant Server 0.00016.
gnomAD v4.1: 114 of 1,613,784 alleles (0.0071%); highest among the groups gnomAD compares: East Asian, 0.091%; no homozygotes.

Submissions (2):

Labcorp Genetics (formerly Invitae), Labcorp
Classification: Likely benign. Last evaluated: 2025-07-21. Review status: criteria provided, single submitter. Criteria: Invitae Variant Classification Sherloc (09022015). Collection method: clinical testing. Allele origin: germline.

PreventionGenetics, part of Exact Sciences
Classification: Likely benign for DOCK6-related condition. Last evaluated: 2019-09-10. Review status: no assertion criteria provided. Collection method: clinical testing. Allele origin: germline. Not counted in ClinVar's aggregate classification.
Comment: This variant is classified as likely benign based on ACMG/AMP sequence variant interpretation guidelines (Richards et al. 2015 PMID: 25741868, with internal and published modifications).